The following is an entry in ClinVar:

ClinVar aggregate classification (germline): Uncertain significance. Review status: criteria provided, multiple submitters, no conflicts (2 of 4 stars). 2 submissions from 2 submitters: Uncertain significance (2). Last evaluated 2025-02-21.

Conditions:
Intestinal hypomagnesemia 1. Also called: HYPOMAGNESEMIA, INTESTINAL, WITH SECONDARY HYPOCALCEMIA; HYPOMAGNESEMIC TETANY. Identifiers: Orphanet 30924, MedGen C1865974, MONDO:0011176, OMIM 602014.

Submissions (2):

GeneDx
Classification: Uncertain significance. Last evaluated: 2025-02-21. Review status: criteria provided, single submitter. Criteria: GeneDx Variant Classification Process June 2021. Collection method: clinical testing. Allele origin: germline. Affected: yes.
Comment: Not observed at significant frequency in large population cohorts (gnomAD); In silico analysis supports that this missense variant has a deleterious effect on protein structure/function; Has not been previously published as pathogenic or benign to our knowledge

Fulgent Genetics
Classification: Uncertain significance for Intestinal hypomagnesemia 1. Last evaluated: 2024-01-09. Review status: criteria provided, single submitter. Criteria: ACMG Guidelines, 2015. Collection method: clinical testing. Allele origin: germline.

NM_017662.5(TRPM6):c.788T>C (p.Met263Thr)

Gene: TRPM6 (transient receptor potential cation channel subfamily M member 6; minus strand). Cytogenetic location: 9q21.13.
Variant type: single nucleotide variant.
Coding change: c.788T>C on transcript NM_017662.5 (MANE Select); coding-DNA position 788, T replaced by C.
Protein change: p.Met263Thr; replaces methionine 263 with threonine.
Molecular consequence: missense variant.
Genome position (GRCh38, 1-based): chr9:74,827,831, A>G on the plus strand (T>C on the coding strand, the complement: TRPM6 is on the minus strand). VCF-style: chr9-74827831-A-G. GRCh37 (hg19) VCF-style: chr9-77442747-A-G.
Other names: c.788T>C (NM_017662.4); c.773T>C, p.Met258Thr (NM_001177310.2, NM_001177311.2); short protein forms M263T, M258T.
Identifiers: ClinVar variation 3597637 (VCV003597637.2).
Genomic context (GRCh38, chr9:74,827,831, plus strand): 5'-TACTCACGGCAGTGTATTTTCTGCAGAGAGAGGTACTTCTCCAGGTTCCTTCTGAGCTTC[A>G]TTTCATTTCCATACTTGCCCACGGTCCCATCATCAGACAGGATGAAGTGCGAGTGCATGC-3'
Protein context (NP_060132.3, residues 253-273): DGTVGKYGNE[Met263Thr]KLRRNLEKYL